The following is an entry in ClinVar:

ClinVar aggregate classification (germline): Likely benign (1 of 4 stars; one submission).

gnomAD v4.1: 21,241 of 1,535,562 alleles (1.4%); highest among the groups gnomAD compares: Non-Finnish European, 1.5%; no homozygotes.

Submission:

CeGaT Center for Human Genetics Tuebingen
Classification: Likely benign. Last evaluated: 2026-05-01. Review status: criteria provided, single submitter. Criteria: CeGaT Center For Human Genetics Tuebingen Variant Classification Criteria Version 2. Collection method: clinical testing. Allele origin: germline. Affected: yes. Observed: 2 variant alleles.
Comment: MUC5B: BP4, BP7, BS1

NM_002458.3(MUC5B):c.8700C>T (p.Asn2900=)

Genes: MUC5B (mucin 5B, oligomeric mucus/gel-forming; plus strand), MUC5B-AS1 (MUC5B antisense RNA 1; minus strand). Cytogenetic location: 11p15.5.
Variant type: single nucleotide variant.
Coding change: c.8700C>T on transcript NM_002458.3 (MANE Select); coding-DNA position 8700, C replaced by T.
Protein change: p.Asn2900=; no amino-acid change (asparagine 2900 retained).
Molecular consequence: synonymous variant.
Genome position (GRCh38, 1-based): chr11:1,245,580, C>T. VCF-style: chr11-1245580-C-T. GRCh37 (hg19) VCF-style: chr11-1266810-C-T.
Identifiers: ClinVar variation 3388227 (VCV003388227.14).